The following is an entry in ClinVar:

NM_000435.3(NOTCH3):c.6217G>C (p.Gly2073Arg)

Gene: NOTCH3 (notch receptor 3; minus strand). Cytogenetic location: 19p13.12.
Variant type: single nucleotide variant.
Coding change: c.6217G>C on transcript NM_000435.3 (MANE Select); coding-DNA position 6217, G replaced by C.
Protein change: p.Gly2073Arg; replaces glycine 2073 with arginine.
Molecular consequence: missense variant.
Genome position (GRCh38, 1-based): chr19:15,161,411, C>G on the plus strand (G>C on the coding strand, the complement: NOTCH3 is on the minus strand). VCF-style: chr19-15161411-C-G. GRCh37 (hg19) VCF-style: chr19-15272222-C-G.
Other names: short protein forms G2073R.
Identifiers: ClinVar variation 931813 (VCV000931813.3), dbSNP rs1250159597, ClinGen allele CA404489727.

ClinVar aggregate classification (germline): Uncertain significance (1 of 4 stars; one submission).

Conditions:
Cerebral arteriopathy, autosomal dominant, with subcortical infarcts and leukoencephalopathy, type 1 (CADASIL1). Also called: Cerebral arteriopathy with subcortical infarcts and leukoencephalopathy 1; CADASIL 1; CASIL; DEMENTIA, HEREDITARY MULTIINFARCT TYPE. Identifiers: Orphanet 136, MedGen C4551768, MONDO:0000914, OMIM 125310.

Allele frequency attached by ClinVar (database versions not stated): gnomAD exomes 0.00001 and below 0.00001.
gnomAD v4.1: 1 of 1,527,294 alleles (0.000065%); highest among the groups gnomAD compares: Non-Finnish European, 0.000088%; no homozygotes.

Submission:

Centre for Mendelian Genomics, University Medical Centre Ljubljana
Classification: Uncertain significance for Cerebral arteriopathy, autosomal dominant, with subcortical infarcts and leukoencephalopathy, type 1. Last evaluated: 2018-10-04. Review status: criteria provided, single submitter. Criteria: ACMG Guidelines, 2015. Collection method: clinical testing. Allele origin: unknown. Affected: yes.
Comment: This variant was classified as: Uncertain significance. The available evidence on this variant's pathogenicity is insufficient or conflicting. The following ACMG criteria were applied in classifying this variant: No criteria apply.